The following is an entry in ClinVar:

NM_001369.3(DNAH5):c.646A>G (p.Ser216Gly)

Gene: DNAH5 (dynein axonemal heavy chain 5; minus strand). Cytogenetic location: 5p15.2.
Variant type: single nucleotide variant.
Coding change: c.646A>G on transcript NM_001369.3 (MANE Select); coding-DNA position 646, A replaced by G.
Protein change: p.Ser216Gly; replaces serine 216 with glycine.
Molecular consequence: missense variant.
Genome position (GRCh38, 1-based): chr5:13,922,121, T>C on the plus strand (A>G on the coding strand, the complement: DNAH5 is on the minus strand). VCF-style: chr5-13922121-T-C. GRCh37 (hg19) VCF-style: chr5-13922230-T-C.
Other names: c.646A>G (NM_001369.2); short protein forms S216G.
Identifiers: ClinVar variation 2164624 (VCV002164624.5), dbSNP rs757602565, ClinGen allele CA3205136.
Genomic context (GRCh38, chr5:13,922,121, plus strand): 5'-GTTGACCACCTGATCATTTTTAAAGGAACAGCTTATTCGTCCTCACCTTCTCCTTCAGAC[T>C]CTCCTGTGCACCCGACAGGACGTTCACAAAGCCTTCCAGGGAGCTCAAGAACTCCTGGCG-3'
Protein context (NP_001360.1, residues 206-226): FVNVLSGAQE[Ser216Gly]LKEKVNLRKC

ClinVar aggregate classification (germline): Conflicting classifications of pathogenicity. Review status: criteria provided, conflicting classifications (1 of 4 stars). 2 submissions from 2 submitters: Uncertain significance (1); Likely benign (1). Last evaluated 2025-05-12.

Conditions:
Primary ciliary dyskinesia. Also called: Ciliary dyskinesia. Identifiers: Orphanet 244, MedGen C0008780, MONDO:0016575, HP:0012265.

Allele frequency attached by ClinVar (database versions not stated): TOPMed below 0.00001; gnomAD exomes 0.00001; ExAC 0.00005.
gnomAD v4.1: 11 of 1,614,024 alleles (0.00068%); highest among the groups gnomAD compares: Admixed American, 0.012%; no homozygotes.

Submissions (2):

Labcorp Genetics (formerly Invitae), Labcorp
Classification: Likely benign for Primary ciliary dyskinesia. Last evaluated: 2025-05-12. Review status: criteria provided, single submitter. Criteria: Invitae Variant Classification Sherloc (09022015). Collection method: clinical testing. Allele origin: germline.

Ambry Genetics
Classification: Uncertain significance for Primary ciliary dyskinesia. Last evaluated: 2024-10-21. Review status: criteria provided, single submitter. Criteria: Ambry Variant Classification Scheme 2023. Collection method: clinical testing. Allele origin: germline.
Comment: The p.S216G variant (also known as c.646A>G), located in coding exon 5 of the DNAH5 gene, results from an A to G substitution at nucleotide position 646. The serine at codon 216 is replaced by glycine, an amino acid with similar properties. This amino acid position is conserved. In addition, this alteration is predicted to be tolerated by in silico analysis. Based on the available evidence, the clinical significance of this variant remains unclear.